The following is an entry in ClinVar:

NM_024740.2(ALG9):c.1399G>A (p.Glu467Lys)

Gene: ALG9 (ALG9 alpha-1,2-mannosyltransferase; minus strand). Cytogenetic location: 11q23.1.
Variant type: single nucleotide variant.
Coding change: c.1399G>A on transcript NM_024740.2 (MANE Select); coding-DNA position 1399, G replaced by A.
Protein change: p.Glu467Lys; replaces glutamic acid 467 with lysine.
Molecular consequence: missense variant. On other transcripts: non-coding transcript variant (1).
Genome position (GRCh38, 1-based): chr11:111,837,541, C>T on the plus strand (G>A on the coding strand, the complement: ALG9 is on the minus strand). VCF-style: chr11-111837541-C-T. GRCh37 (hg19) VCF-style: chr11-111708264-C-T.
Other names: c.1378G>A, p.Glu460Lys (NM_001077690.1, NM_001352417.1); c.886G>A, p.Glu296Lys (NM_001077691.2, NM_001352413.1, NM_001352414.2 and 1 more transcripts); c.865G>A, p.Glu289Lys (NM_001077692.2, NM_001352409.1, NM_001352410.1 and 6 more transcripts); c.1255G>A, p.Glu419Lys (NM_001352418.1); c.790G>A, p.Glu264Lys (NM_001352422.2); c.742G>A, p.Glu248Lys (NM_001352423.2); short protein forms E248K, E289K, E296K, E460K, E467K, E264K, E419K.
Identifiers: ClinVar variation 660397 (VCV000660397.8), dbSNP rs782023699, ClinGen allele CA6274431.

ClinVar aggregate classification (germline): Uncertain significance (1 of 4 stars; one submission).

Conditions:
ALG9 congenital disorder of glycosylation (CDG1L). Also called: ALG9-CDG; CONGENITAL DISORDER OF GLYCOSYLATION, TYPE Il; CDG Il. Identifiers: Orphanet 79328, MedGen C2931006, MONDO:0012117, OMIM 608776.

Allele frequency attached by ClinVar (database versions not stated): TOPMed 0.00001; ExAC 0.00003.
gnomAD v4.1: 22 of 1,614,082 alleles (0.0014%); highest among the groups gnomAD compares: Non-Finnish European, 0.0015%; no homozygotes.

Submission:

Labcorp Genetics (formerly Invitae), Labcorp
Classification: Uncertain significance for ALG9 congenital disorder of glycosylation. Last evaluated: 2026-01-12. Review status: criteria provided, single submitter. Criteria: Invitae Variant Classification Sherloc (09022015). Collection method: clinical testing. Allele origin: germline.
Comment: This sequence change replaces glutamic acid, which is acidic and polar, with lysine, which is basic and polar, at codon 467 of the ALG9 protein (p.Glu467Lys). This variant is present in population databases (rs782023699, gnomAD 0.004%). This variant has not been reported in the literature in individuals affected with ALG9-related conditions. ClinVar contains an entry for this variant (Variation ID: 660397). Experimental studies and prediction algorithms are not available or were not evaluated, and the functional significance of this variant is currently unknown. In summary, the available evidence is currently insufficient to determine the role of this variant in disease. Therefore, it has been classified as a Variant of Uncertain Significance.